The following is an entry in ClinVar:

ClinVar aggregate classification (germline): Uncertain significance. Review status: criteria provided, multiple submitters, no conflicts (2 of 4 stars). 2 submissions from 2 submitters: Uncertain significance (2). Last evaluated 2023-05-10.

Conditions:
PEX6-related disorder. Also called: PEX6-related disorders; PEX6-related condition.
Inborn genetic diseases. Identifiers: MedGen C0950123, MeSH D030342.

Allele frequency attached by ClinVar (database versions not stated): TOPMed 0.00001.
gnomAD v4.1: 1 of 1,561,494 alleles (0.000064%); highest among the groups gnomAD compares: Non-Finnish European, 0.000086%; no homozygotes.

Submissions (2):

PreventionGenetics, part of Exact Sciences
Classification: Uncertain significance for PEX6-related condition. Last evaluated: 2023-05-10. Review status: criteria provided, single submitter. Criteria: ACMG Guidelines, 2015. Collection method: clinical testing. Allele origin: germline.
Comment: The PEX6 c.49C>T variant is predicted to result in the amino acid substitution p.Pro17Ser. To our knowledge, this variant has not been reported in the literature or in a large population database, indicating this variant is rare. At this time, the clinical significance of this variant is uncertain due to the absence of conclusive functional and genetic evidence.

Ambry Genetics
Classification: Uncertain significance for Inborn genetic diseases. Last evaluated: 2022-05-25. Review status: criteria provided, single submitter. Criteria: Ambry Variant Classification Scheme 2023. Collection method: clinical testing. Allele origin: germline.

NM_000287.4(PEX6):c.49C>T (p.Pro17Ser)

Gene: PEX6 (peroxisomal biogenesis factor 6; minus strand). Cytogenetic location: 6p21.1.
Variant type: single nucleotide variant.
Coding change: c.49C>T on transcript NM_000287.4 (MANE Select); coding-DNA position 49, C replaced by T.
Protein change: p.Pro17Ser; replaces proline 17 with serine.
Molecular consequence: missense variant. On other transcripts: non-coding transcript variant (1).
Genome position (GRCh38, 1-based): chr6:42,979,102, G>A on the plus strand (C>T on the coding strand, the complement: PEX6 is on the minus strand). VCF-style: chr6-42979102-G-A. GRCh37 (hg19) VCF-style: chr6-42946840-G-A.
Other names: c.49C>T, p.Pro17Ser (NM_001316313.2); short protein forms P17S.
Identifiers: ClinVar variation 2372268 (VCV002372268.3), dbSNP rs918969564, ClinGen allele CA138238726.